The following is an entry in ClinVar:

ClinVar aggregate classification (germline): Uncertain significance (1 of 4 stars; one submission).

Conditions:
Long QT syndrome (LQTS). Identifiers: MedGen C0023976, MeSH D008133, MONDO:0002442. Disease mechanism: loss of function. Inheritance: Various modes of inheritance.

Allele frequency attached by ClinVar (database versions not stated): gnomAD 0.00001; gnomAD exomes 0.00001; TOPMed 0.00002.

Submission:

Labcorp Genetics (formerly Invitae), Labcorp
Classification: Uncertain significance for Long QT syndrome. Last evaluated: 2022-07-06. Review status: criteria provided, single submitter. Criteria: Invitae Variant Classification Sherloc (09022015). Collection method: clinical testing. Allele origin: germline.
Comment: This variant has not been reported in the literature in individuals affected with AKAP9-related conditions. This variant is not present in population databases (gnomAD no frequency). This sequence change replaces methionine, which is neutral and non-polar, with isoleucine, which is neutral and non-polar, at codon 125 of the AKAP9 protein (p.Met125Ile). ClinVar contains an entry for this variant (Variation ID: 1381951). In summary, the available evidence is currently insufficient to determine the role of this variant in disease. Therefore, it has been classified as a Variant of Uncertain Significance. Algorithms developed to predict the effect of missense changes on protein structure and function (SIFT, PolyPhen-2, Align-GVGD) all suggest that this variant is likely to be tolerated.

NM_005751.5(AKAP9):c.375G>A (p.Met125Ile)

Gene: AKAP9 (A-kinase anchoring protein 9; plus strand). Cytogenetic location: 7q21.2.
Variant type: single nucleotide variant.
Coding change: c.375G>A on transcript NM_005751.5 (MANE Select); coding-DNA position 375, G replaced by A.
Protein change: p.Met125Ile; replaces methionine 125 with isoleucine.
Molecular consequence: missense variant.
Genome position (GRCh38, 1-based): chr7:91,992,181, G>A. VCF-style: chr7-91992181-G-A. GRCh37 (hg19) VCF-style: chr7-91621495-G-A.
Other names: c.375G>A, p.Met125Ile (NM_147185.3); short protein forms M125I.
Identifiers: ClinVar variation 1381951 (VCV001381951.8), dbSNP rs1451972452, ClinGen allele CA368119250.
Genomic context (GRCh38, chr7:91,992,181, plus strand): 5'-TAAGATCATAATATATCAGGAAATTGTTTTTATACAGGTAAATGGTTGCAGTTTTGTGAT[G>A]AGAACAGGAAAGCCTACAAATTTATTAAGGGTACAGTATTTAAAACTACTTGTGATACTA-3'
Protein context (NP_005742.4, residues 115-135): SSEVNGCSFV[Met125Ile]RTGKPTNLLR